The following is an entry in ClinVar:

NM_001365276.2(TNXB):c.898G>A (p.Gly300Ser)

Gene: TNXB (tenascin XB; minus strand). Cytogenetic location: 6p21.33.
Variant type: single nucleotide variant.
Coding change: c.898G>A on transcript NM_001365276.2 (MANE Select); coding-DNA position 898, G replaced by A.
Protein change: p.Gly300Ser; replaces glycine 300 with serine.
Molecular consequence: missense variant.
Genome position (GRCh38, 1-based): chr6:32,096,955, C>T on the plus strand (G>A on the coding strand, the complement: TNXB is on the minus strand). VCF-style: chr6-32096955-C-T. GRCh37 (hg19) VCF-style: chr6-32064732-C-T.
Other names: c.898G>A, p.Gly300Ser (NM_019105.8); short protein forms G300S.
Identifiers: ClinVar variation 493431 (VCV000493431.43), dbSNP rs1366605473, ClinGen allele CA363484885.
Genomic context (GRCh38, chr6:32,096,955, plus strand): 5'-GTCCCCGCTGGCTGCAGCCCCGAGGGCAGCTCCTCACCCCACAGTCCTCGCCAGTGTAGC[C>T]GGGGTTACACACGCAGCGCCCATTCTCACAGCGCCCCCTCTGACTGCAACCGCGAGGGCA-3'
Protein context (NP_001352205.1, residues 290-310): CENGRCVCNP[Gly300Ser]YTGEDCGVRS

ClinVar aggregate classification (germline): Uncertain significance (1 of 4 stars; one submission).

Allele frequency attached by ClinVar (database versions not stated): gnomAD exomes below 0.00001; gnomAD 0.00001; TOPMed 0.00001.
gnomAD v4.1: 6 of 1,594,988 alleles (0.00038%); highest among the groups gnomAD compares: African/African-American, 0.0027%; no homozygotes.

Submission:

CeGaT Center for Human Genetics Tuebingen
Classification: Uncertain significance. Last evaluated: 2023-09-01. Review status: criteria provided, single submitter. Criteria: CeGaT Center For Human Genetics Tuebingen Variant Classification Criteria Version 2. Collection method: clinical testing. Allele origin: germline. Affected: yes. Observed: 1 variant allele.
Comment: TNXB: PM2